The following is an entry in ClinVar:

ClinVar aggregate classification (germline): Uncertain significance (1 of 4 stars; one submission).

Conditions:
Ataxia-telangiectasia syndrome (AT). Also called: Ataxia-telangiectasia, complementation group D; AT, COMPLEMENTATION GROUP C; ATAXIA-TELANGIECTASIA, COMPLEMENTATION GROUP A; ATAXIA-TELANGIECTASIA, FRESNO VARIANT; Ataxia-telangiectasia; LOUIS-BAR SYNDROME. Identifiers: Orphanet 100, MedGen C0004135, MONDO:0008840, OMIM 208900.

Submission:

Labcorp Genetics (formerly Invitae), Labcorp
Classification: Uncertain significance for Ataxia-telangiectasia syndrome. Last evaluated: 2020-05-15. Review status: criteria provided, single submitter. Criteria: Invitae Variant Classification Sherloc (09022015). Collection method: clinical testing. Allele origin: germline.
Comment: This sequence change replaces valine with alanine at codon 2873 of the ATM protein (p.Val2873Ala). The valine residue is moderately conserved and there is a small physicochemical difference between valine and alanine. This variant is not present in population databases (ExAC no frequency). This variant has not been reported in the literature in individuals with ATM-related disease. Algorithms developed to predict the effect of missense changes on protein structure and function (SIFT, PolyPhen-2, Align-GVGD) all suggest that this variant is likely to be tolerated, but these predictions have not been confirmed by published functional studies and their clinical significance is uncertain. In summary, the available evidence is currently insufficient to determine the role of this variant in disease. Therefore, it has been classified as a Variant of Uncertain Significance.

NM_000051.4(ATM):c.8618T>C (p.Val2873Ala)

Genes: ATM (ATM serine/threonine kinase; plus strand), C11orf65 (chromosome 11 open reading frame 65; minus strand). Cytogenetic location: 11q22.3.
Variant type: single nucleotide variant.
Coding change: c.8618T>C on transcript NM_000051.4 (MANE Select); coding-DNA position 8618, T replaced by C.
Protein change: p.Val2873Ala; replaces valine 2873 with alanine.
Molecular consequence: missense variant. On other transcripts: intron variant (2).
Genome position (GRCh38, 1-based): chr11:108,347,312, T>C. VCF-style: chr11-108347312-T-C. GRCh37 (hg19) VCF-style: chr11-108218039-T-C.
Other names: c.8618T>C, p.Val2873Ala (NM_001351834.2); c.641-38241A>G (NM_001330368.2); c.695-12020A>G (NM_001351110.2); short protein forms V2873A.
Identifiers: ClinVar variation 651767 (VCV000651767.9), dbSNP rs1591274020, ClinGen allele CA382520726.